The following is an entry in ClinVar:

NM_000203.5(IDUA):c.1490C>A (p.Thr497Lys)

Gene: IDUA (alpha-L-iduronidase; plus strand). Cytogenetic location: 4p16.3.
Variant type: single nucleotide variant.
Coding change: c.1490C>A on transcript NM_000203.5 (MANE Select); coding-DNA position 1490, C replaced by A.
Protein change: p.Thr497Lys; replaces threonine 497 with lysine.
Molecular consequence: missense variant. On other transcripts: non-coding transcript variant (1).
Genome position (GRCh38, 1-based): chr4:1,003,123, C>A. VCF-style: chr4-1003123-C-A. GRCh37 (hg19) VCF-style: chr4-996911-C-A.
Other names: p.Thr497Lys; c.1490C>A (NM_000203.3); c.1094C>A, p.Thr365Lys (NM_001363576.1); short protein forms T365K, T497K.
Identifiers: ClinVar variation 1352966 (VCV001352966.12), dbSNP rs1436395282, ClinGen allele CA355964687.
Genomic context (GRCh38, chr4:1,003,123, plus strand): 5'-ACAACGGGCTCTGCAGCCCCGACGGCGAGTGGCGGCGCCTGGGCCGGCCCGTCTTCCCCA[C>A]GGCAGAGCAGTTCCGGCGCATGCGCGCGGCTGAGGTAGGTGGGCCGCGGAGGGGCGAGGG-3'
Protein context (NP_000194.2, residues 487-507): WRRLGRPVFP[Thr497Lys]AEQFRRMRAA

ClinVar aggregate classification (germline): Uncertain significance. Review status: criteria provided, multiple submitters, no conflicts (2 of 4 stars). 4 submissions from 4 submitters: Uncertain significance (4). Last evaluated 2025-08-10.

Conditions:
Mucopolysaccharidosis type 1. Also called: IDUA deficiency; MPS I; Mucopolysaccharidosis Type I. Identifiers: Orphanet 579, MedGen C0023786, MONDO:0001586.
Inborn genetic diseases. Identifiers: MedGen C0950123, MeSH D030342.

Allele frequency attached by ClinVar (database versions not stated): TOPMed below 0.00001; gnomAD 0.00001.

Submissions (4):

Ambry Genetics
Classification: Uncertain significance for Inborn genetic diseases. Last evaluated: 2025-08-10. Review status: criteria provided, single submitter. Criteria: Ambry Variant Classification Scheme 2023. Collection method: clinical testing. Allele origin: germline.

Labcorp Genetics (formerly Invitae), Labcorp
Classification: Uncertain significance for Mucopolysaccharidosis type 1. Last evaluated: 2023-08-25. Review status: criteria provided, single submitter. Criteria: Invitae Variant Classification Sherloc (09022015). Collection method: clinical testing. Allele origin: germline.
Comment: This sequence change replaces threonine, which is neutral and polar, with lysine, which is basic and polar, at codon 497 of the IDUA protein (p.Thr497Lys). This variant is present in population databases (no rsID available, gnomAD 0.01%). This variant has not been reported in the literature in individuals affected with IDUA-related conditions. ClinVar contains an entry for this variant (Variation ID: 1352966). Advanced modeling of protein sequence and biophysical properties (such as structural, functional, and spatial information, amino acid conservation, physicochemical variation, residue mobility, and thermodynamic stability) has been performed at Invitae for this missense variant, however the output from this modeling did not meet the statistical confidence thresholds required to predict the impact of this variant on IDUA protein function. In summary, the available evidence is currently insufficient to determine the role of this variant in disease. Therefore, it has been classified as a Variant of Uncertain Significance.

Revvity Omics, Revvity
Classification: Uncertain significance. Last evaluated: 2022-12-04. Review status: criteria provided, single submitter. Criteria: ACMG Guidelines, 2015. Collection method: clinical testing. Allele origin: germline.

Mayo Clinic Laboratories, Mayo Clinic
Classification: Uncertain significance. Last evaluated: 2022-09-28. Review status: criteria provided, single submitter. Criteria: ACMG Guidelines, 2015. Collection method: clinical testing. Allele origin: germline. Observed: 1 variant allele.
Comment: PM2